The following is an entry in ClinVar:

NM_001374828.1(ARID1B):c.2396C>T (p.Ser799Phe)

Gene: ARID1B (AT-rich interaction domain 1B; plus strand). Cytogenetic location: 6q25.3.
Variant type: single nucleotide variant.
Coding change: c.2396C>T on transcript NM_001374828.1 (MANE Select); coding-DNA position 2396, C replaced by T.
Protein change: p.Ser799Phe; replaces serine 799 with phenylalanine.
Molecular consequence: missense variant. On other transcripts: 5 prime UTR variant (1).
Genome position (GRCh38, 1-based): chr6:157,084,810, C>T. VCF-style: chr6-157084810-C-T. GRCh37 (hg19) VCF-style: chr6-157405944-C-T.
Other names: c.-104C>T (NM_001363725.2); c.2435C>T, p.Ser812Phe (NM_001371656.1, NM_001374820.1); c.2396C>T, p.Ser799Phe (NM_017519.3); c.2186C>T (NM_020732.3); short protein forms S799F, S812F.
Identifiers: ClinVar variation 3731174 (VCV003731174.1).

ClinVar aggregate classification (germline): Uncertain significance (1 of 4 stars; one submission).

Submission:

GeneDx
Classification: Uncertain significance. Last evaluated: 2024-08-13. Review status: criteria provided, single submitter. Criteria: GeneDx Variant Classification Process June 2021. Collection method: clinical testing. Allele origin: germline. Affected: yes.
Comment: Not observed at significant frequency in large population cohorts (gnomAD); In silico analysis supports that this missense variant has a deleterious effect on protein structure/function; Has not been previously published as pathogenic or benign to our knowledge